The following is an entry in ClinVar:

NM_000441.2(SLC26A4):c.1517T>G (p.Leu506Arg)

Gene: SLC26A4 (solute carrier family 26 member 4; plus strand). Cytogenetic location: 7q22.3.
Variant type: single nucleotide variant.
Coding change: c.1517T>G on transcript NM_000441.2 (MANE Select); coding-DNA position 1517, T replaced by G.
Protein change: p.Leu506Arg; replaces leucine 506 with arginine.
Molecular consequence: missense variant.
Genome position (GRCh38, 1-based): chr7:107,696,012, T>G. VCF-style: chr7-107696012-T-G. GRCh37 (hg19) VCF-style: chr7-107336457-T-G.
Other names: short protein forms L506R.
Identifiers: ClinVar variation 4531292 (VCV004531292.1).
Genomic context (GRCh38, chr7:107,696,012, plus strand): 5'-GTATAGTGTCCATCATTCTGGGGCTGGATCTCGGTTTACTAGCTGGCCTTATATTTGGAC[T>G]GTTGACTGTGGTCCTGAGAGTTCAGTTGTGAGTAACGTAAAACCCAGATTTCCTATAAAC-3'
Protein context (NP_000432.1, residues 496-516): LGLLAGLIFG[Leu506Arg]LTVVLRVQFP

ClinVar aggregate classification (germline): Likely pathogenic (1 of 4 stars; one submission).

Conditions:
Autosomal recessive nonsyndromic hearing loss 4 (DFNB4). Also called: NEUROSENSORY NONSYNDROMIC RECESSIVE DEAFNESS 4; Deafness, autosomal recessive 4, with enlarged vestibular aqueduct; Enlarged vestibular aqueduct, digenic; FOXI1-Related Pendred Syndrome; KCNJ10-Related Pendred Syndrome; DEAFNESS, AUTOSOMAL RECESSIVE 4, WITH ENLARGED VESTIBULAR AQUEDUCT, DIGENIC. Identifiers: Orphanet 90636, MedGen C3538946, MONDO:0010933, OMIM 600791.
Pendred syndrome (PDS). Also called: DEAFNESS WITH GOITER; GOITER-DEAFNESS SYNDROME; HYPOTHYROIDISM, CONGENITAL, DUE TO DYSHORMONOGENESIS, 2B; THYROID DYSHORMONOGENESIS 2B; THYROID HORMONOGENESIS, GENETIC DEFECT IN, 2B; Pendred Syndrome (PDS). Identifiers: Orphanet 705, MedGen C0271829, MONDO:0010134, OMIM 274600.

Submission:

Juno Genomics, Hangzhou Juno Genomics, Inc
Classification: Likely pathogenic for Autosomal recessive nonsyndromic hearing loss 4; Pendred syndrome. Review status: criteria provided, single submitter. Criteria: ACMG Guidelines, 2015. Collection method: clinical testing. Allele origin: germline. Affected: yes.
Comment: Absent from controls (or at extremely low frequency if recessive) in Genome Aggregation Database, Exome Sequencing Project, 1000 Genomes Project, or Exome Aggregation Consortium.;For recessive disorders, detected in trans with a pathogenic variant.;Multiple lines of computational evidence support a deleterious effect on the gene or gene product (conservation, evolutionary, splicing impact, etc).